The following is an entry in ClinVar:

ClinVar aggregate classification (germline): Uncertain significance (1 of 4 stars; one submission).

Conditions:
Hypertrophic cardiomyopathy. Also called: HYPERTROPHIC MYOCARDIOPATHY. Identifiers: Orphanet 217569, MedGen C0007194, MeSH D002312, MONDO:0005045, HP:0001639.

Submission:

Labcorp Genetics (formerly Invitae), Labcorp
Classification: Uncertain significance for Hypertrophic cardiomyopathy. Last evaluated: 2022-10-25. Review status: criteria provided, single submitter. Criteria: Invitae Variant Classification Sherloc (09022015). Collection method: clinical testing. Allele origin: germline.
Comment: This variant is not present in population databases (gnomAD no frequency). This sequence change replaces alanine, which is neutral and non-polar, with serine, which is neutral and polar, at codon 1804 of the MYH7 protein (p.Ala1804Ser). This variant has not been reported in the literature in individuals affected with MYH7-related conditions. Advanced modeling of protein sequence and biophysical properties (such as structural, functional, and spatial information, amino acid conservation, physicochemical variation, residue mobility, and thermodynamic stability) performed at Invitae indicates that this missense variant is expected to disrupt MYH7 protein function. In summary, the available evidence is currently insufficient to determine the role of this variant in disease. Therefore, it has been classified as a Variant of Uncertain Significance.

NM_000257.4(MYH7):c.5410G>T (p.Ala1804Ser)

Gene: MYH7 (myosin heavy chain 7; minus strand). Cytogenetic location: 14q11.2.
Variant type: single nucleotide variant.
Coding change: c.5410G>T on transcript NM_000257.4 (MANE Select); coding-DNA position 5410, G replaced by T.
Protein change: p.Ala1804Ser; replaces alanine 1804 with serine.
Molecular consequence: missense variant.
Genome position (GRCh38, 1-based): chr14:23,415,144, C>A on the plus strand (G>T on the coding strand, the complement: MYH7 is on the minus strand). VCF-style: chr14-23415144-C-A. GRCh37 (hg19) VCF-style: chr14-23884353-C-A.
Other names: c.5410G>T, p.Ala1804Ser (NM_001407004.1); short protein forms A1804S.
Identifiers: ClinVar variation 1958469 (VCV001958469.5), dbSNP rs730880818, ClinGen allele CA389035530.